The following is an entry in ClinVar:

ClinVar aggregate classification (germline): Conflicting classifications of pathogenicity. Review status: criteria provided, conflicting classifications (1 of 4 stars). 5 submissions from 5 submitters: Pathogenic (1); Likely pathogenic (1); Uncertain significance (2). 1 of the submissions does not count toward it. Last evaluated 2023-11-03.

Conditions:
Ceroid lipofuscinosis, neuronal, 6B (Kufs type). Also called: Neuronal ceroid lipofuscinosis 4A. Identifiers: Orphanet 700477, MedGen C5561927, MONDO:0008768, OMIM 204300.
Ceroid lipofuscinosis, neuronal, 6A. Also called: Neuronal ceroid lipofuscinosis, Gypsy/Indian early juvenile variant; Neuronal ceroid lipofuscinosis 6; CLN6-Related Neuronal Ceroid-Lipofuscinosis; Neuronal ceroid lipofuscinosis, late infantile, variant. Identifiers: Orphanet 168491, Orphanet 228363, MedGen C5551375, MONDO:0011144, OMIM 601780.
Neuronal ceroid lipofuscinosis. Also called: Neuronal Ceroid Lipofuscinoses. Identifiers: Orphanet 216, Orphanet 79263, MedGen C0027877, MONDO:0016295. Disease mechanism: loss of function.

Allele frequency attached by ClinVar (database versions not stated): gnomAD exomes below 0.00001 and 0.00001; ExAC 0.00002.

Submissions (5):

Blueprint Genetics
Classification: Uncertain significance. Last evaluated: 2023-11-03. Review status: criteria provided, single submitter. Criteria: ACMG Guidelines, 2015. Collection method: clinical testing. Allele origin: germline.

Labcorp Genetics (formerly Invitae), Labcorp
Classification: Uncertain significance for Neuronal ceroid lipofuscinosis. Last evaluated: 2022-01-14. Review status: criteria provided, single submitter. Criteria: Invitae Variant Classification Sherloc (09022015). Collection method: clinical testing. Allele origin: germline.
Comment: This sequence change replaces arginine, which is basic and polar, with histidine, which is basic and polar, at codon 62 of the CLN6 protein (p.Arg62His). This variant is present in population databases (rs751486476, gnomAD 0.0009%). This missense change has been observed in individual(s) with CLN6-related conditions (PMID: 12815591). ClinVar contains an entry for this variant (Variation ID: 523022). Algorithms developed to predict the effect of missense changes on protein structure and function (SIFT, PolyPhen-2, Align-GVGD) all suggest that this variant is likely to be disruptive. This variant disrupts the p.Arg62 amino acid residue in CLN6. Other variant(s) that disrupt this residue have been observed in individuals with CLN6-related conditions (PMID: 19135028), which suggests that this may be a clinically significant amino acid residue. In summary, the available evidence is currently insufficient to determine the role of this variant in disease. Therefore, it has been classified as a Variant of Uncertain Significance.

Genomic Research Center, Shahid Beheshti University of Medical Sciences
Classification: Pathogenic for Ceroid lipofuscinosis, neuronal, 6A. Last evaluated: 2017-12-18. Review status: criteria provided, single submitter. Criteria: ACMG Guidelines, 2015. Collection method: clinical testing. Allele origin: inherited. Affected: yes.

Lifecell International Pvt. Ltd
Classification: Likely pathogenic for Ceroid lipofuscinosis, neuronal, 6B (Kufs type). Review status: criteria provided, single submitter. Criteria: ACMG Guidelines, 2015. Collection method: clinical testing. Allele origin: germline. Inheritance: Autosomal recessive inheritance. Affected: yes. Observed: 1 homozygote.
Comment: A Homozygote Missense variant c.185G>A in Exon 2 of the CLN6 gene that results in the amino acid substitution p.Arg62His was identified. The observed variant is novel in gnomAD exomes and genomes, respectively. The severity of the impact of this variant on the protein is high, based on the effect of the protein and REVEL score. Rare Exome Variant Ensemble Learner (REVEL) is an ensembl method for predicting the pathogenicity of missense variants based on a combination of scores from 13 individual tools: MutPred, FATHMM v2.3, VEST 3.0, PolyPhen-2, SIFT, PROVEAN, MutationAssessor, MutationTaster, LRT, GERP++, SiPhy, phyloP, and phastCons. The REVEL score for an individual missense variant can range from 0 to 1, with higher scores reflecting greater likelihood that the variant is disease-causing. ClinVar has also classified this variant as Pathogenic [Variation ID: 523022]. The observed variation has been reported previously in patients with late infantile neuronal ceroid lipofuscinosis (Sun G, et.al., 2018). For these reasons, this variant has been classified as Likely Pathogenic.

Child Neurology Division, Pediatrics Department, KAHER's Jawaharlal Nehru Medical College, Belagavi
Classification: Pathogenic for Ceroid lipofuscinosis, neuronal, 6A. Last evaluated: 2019-03-06. Review status: no assertion criteria provided. Collection method: clinical testing. Allele origin: inherited. Inheritance: Autosomal recessive inheritance. Affected: yes. Observed: 1 homozygote. Not counted in ClinVar's aggregate classification.
Comment: The identified variant has been previously reported in a familial case of NCL; however, evidence for the pathogenicity of this variant was not provided in this study. Sharp JD et al. 2003. Spectrum of CLN6 mutations in variant late infantile neuronal ceroid lipofuscinosis. Hum. Mutat. 22(1):35-42

Literature cited by the submitters: PubMed 12815591 (cited by Labcorp Genetics (formerly Invitae), Labcorp); PubMed 19135028 (cited by Labcorp Genetics (formerly Invitae), Labcorp); PubMed 30285654 (cited by Lifecell International Pvt. Ltd).

NM_017882.3(CLN6):c.185G>A (p.Arg62His)

Gene: CLN6 (CLN6 transmembrane ER protein; minus strand). Cytogenetic location: 15q23.
Variant type: single nucleotide variant.
Coding change: c.185G>A on transcript NM_017882.3 (MANE Select); coding-DNA position 185, G replaced by A.
Protein change: p.Arg62His; replaces arginine 62 with histidine.
Molecular consequence: missense variant.
Genome position (GRCh38, 1-based): chr15:68,218,549, C>T on the plus strand (G>A on the coding strand, the complement: CLN6 is on the minus strand). VCF-style: chr15-68218549-C-T. GRCh37 (hg19) VCF-style: chr15-68510887-C-T.
Other names: short protein forms R62H.
Identifiers: ClinVar variation 523022 (VCV000523022.10), dbSNP rs751486476, ClinGen allele CA7630697.